The following is an entry in ClinVar:

NM_002049.4(GATA1):c.182_189dup (p.Arg64fs)

Gene: GATA1 (GATA binding protein 1; plus strand). Cytogenetic location: Xp11.23.
Variant type: Duplication.
Coding change: c.182_189dup on transcript NM_002049.4 (MANE Select); coding-DNA positions 182 to 189, 8 bases duplicated (CCTACTAC; older notation c.182_189dupCCTACTAC).
Protein change: p.Arg64fs; shifts the reading frame from arginine 64.
Molecular consequence: frameshift variant.
Genome position (GRCh38, 1-based): chrX:48,791,291-48,791,298, CCTACTAC duplicated. VCF-style (leftmost placement, unchanged base first): chrX-48791290-G-GCCTACTAC. GRCh37 (hg19) VCF-style: chrX-48649697-G-GCCTACTAC.
Other names: short protein forms R64fs.
Identifiers: ClinVar variation 3773818 (VCV003773818.1).

ClinVar aggregate classification (germline): Likely pathogenic (1 of 4 stars; one submission).

Conditions:
GATA1-related disorder. Also called: GATA1-related condition.

Submission:

Rady Children's Institute for Genomic Medicine, Rady Children's Hospital San Diego
Classification: Likely pathogenic for GATA1-related disorders. Last evaluated: 2023-10-05. Review status: criteria provided, single submitter. Criteria: ACMG Guidelines, 2015. Collection method: clinical testing. Allele origin: germline. Affected: yes.
Comment: This frameshifting variant in exon 2 of 6 is predicted to result in loss of normal protein function through either protein truncation or nonsense-mediated mRNA decay. The GATA1 gene is constrained against loss-of-function variation (pLI = 0.95), and loss-of-function variants are an established mechanism of disease and have been reported in individuals with GATA1-related disorders (PMID: 24453067). This variant has not been previously reported or functionally characterized in the literature to our knowledge. The c.182_189dup (p.Arg64ProfsTer76) variant is absent from the gnomAD population database and thus is presumed to be rare. Based on the available evidence, c.182_189dup (p.Arg64ProfsTer76) is classified as Likely Pathogenic.

Literature cited by the submitters: PubMed 24453067.